The following is an entry in ClinVar:

NM_000071.3(CBS):c.-8-292G>C

Gene: CBS (cystathionine beta-synthase; minus strand). Cytogenetic location: 21q22.3.
Variant type: single nucleotide variant.
Coding change: c.-8-292G>C on transcript NM_000071.3 (MANE Select); 292 bases into the intron before 8 bases upstream of the start codon, G replaced by C.
Molecular consequence: intron variant.
Genome position (GRCh38, 1-based): chr21:43,072,493, C>G on the plus strand (G>C on the coding strand, the complement: CBS is on the minus strand). VCF-style: chr21-43072493-C-G. GRCh37 (hg19) VCF-style: chr21-44492603-C-G.
Other names: c.-8-292G>C (NM_001320298.2, NM_001178009.3, NM_001178008.3).
Identifiers: ClinVar variation 668708 (VCV000668708.1), dbSNP rs9980564, ClinGen allele CA321104486.
Genomic context (GRCh38, chr21:43,072,493, plus strand): 5'-GGCTCACGCCTCTCATCCCAGCACTTCGGGAGGCTGAGGCAGGAGGACCACTTGAGTCCA[C>G]GAGGTCAAGACCAGCCTGGGCTCCAGCCCCATCTCTATTTAAAAAATAAAACAACAACAA-3'

ClinVar aggregate classification (germline): Benign (1 of 4 stars; one submission).

Allele frequency attached by ClinVar (database versions not stated): gnomAD 0.45776; 1000 Genomes Project 0.45707.

Submission:

GeneDx
Classification: Benign. Last evaluated: 2018-06-18. Review status: criteria provided, single submitter. Criteria: GeneDx Variant Classification (06012015). Collection method: clinical testing. Allele origin: germline. Affected: yes.
Comment: This variant is considered likely benign or benign based on one or more of the following criteria: it is a conservative change, it occurs at a poorly conserved position in the protein, it is predicted to be benign by multiple in silico algorithms, and/or has population frequency not consistent with disease.